The following is an entry in ClinVar:

ClinVar aggregate classification (germline): Likely benign (1 of 4 stars; one submission).

Conditions:
Autosomal dominant nonsyndromic hearing loss 5. Identifiers: Orphanet 90635, MedGen C1832932, MONDO:0010973, OMIM 600994.

Allele frequency attached by ClinVar (database versions not stated): gnomAD below 0.00001 and 0.00023; TOPMed 0.00004; gnomAD exomes 0.00040; 1000 Genomes Project 30x 0.00125; 1000 Genomes Project 0.00140.
gnomAD v4.1: 357 of 963,956 alleles (0.037%); highest among the groups gnomAD compares: South Asian, 0.47%; 3 homozygotes.

Submission:

Illumina Laboratory Services, Illumina
Classification: Likely benign for Autosomal dominant nonsyndromic hearing loss 5. Last evaluated: 2018-01-13. Review status: criteria provided, single submitter. Criteria: ICSL Variant Classification Criteria 13 December 2019. Collection method: clinical testing. Allele origin: germline.
Comment: This variant was observed in the ICSL laboratory as part of a predisposition screen in an ostensibly healthy population. It had not been previously curated by ICSL or reported in the Human Gene Mutation Database (HGMD: prior to June 1st, 2018), and was therefore a candidate for classification through an automated scoring system. Utilizing variant allele frequency, disease prevalence and penetrance estimates, and inheritance mode, an automated score was calculated to assess if this variant is too frequent to cause the disease. Based on the score and internal cut-off values, a variant classified as likely benign is not then subjected to further curation. The score for this variant resulted in a classification of likely benign for this disease.

NM_001127453.2(GSDME):c.*81T>G

Gene: GSDME (gasdermin E; minus strand). Cytogenetic location: 7p15.3.
Variant type: single nucleotide variant.
Coding change: c.*81T>G on transcript NM_001127453.2 (MANE Select); 81 bases downstream of the stop codon, T replaced by G.
Molecular consequence: 3 prime UTR variant.
Genome position (GRCh38, 1-based): chr7:24,698,945, A>C on the plus strand (T>G on the coding strand, the complement: GSDME is on the minus strand). VCF-style: chr7-24698945-A-C. GRCh37 (hg19) VCF-style: chr7-24738564-A-C.
Other names: c.*81T>G (NM_001127454.2, NM_004403.3).
Identifiers: ClinVar variation 908337 (VCV000908337.4), dbSNP rs541774350, ClinGen allele CA155368030.